The following is an entry in ClinVar:

NM_000036.3(AMPD1):c.1886A>G (p.Tyr629Cys)

Gene: AMPD1 (adenosine monophosphate deaminase 1; minus strand). Cytogenetic location: 1p13.2.
Variant type: single nucleotide variant.
Coding change: c.1886A>G on transcript NM_000036.3 (MANE Select); coding-DNA position 1886, A replaced by G.
Protein change: p.Tyr629Cys; replaces tyrosine 629 with cysteine.
Molecular consequence: missense variant.
Genome position (GRCh38, 1-based): chr1:114,673,997, T>C on the plus strand (A>G on the coding strand, the complement: AMPD1 is on the minus strand). VCF-style: chr1-114673997-T-C. GRCh37 (hg19) VCF-style: chr1-115216618-T-C.
Other names: c.1874A>G, p.Tyr625Cys (NM_001172626.2); short protein forms Y625C, Y629C.
Identifiers: ClinVar variation 2825490 (VCV002825490.3), dbSNP rs2526336641, ClinGen allele CA341744653.

ClinVar aggregate classification (germline): Uncertain significance (1 of 4 stars; one submission).

Conditions:
Muscle AMP deaminase deficiency (MMDD). Also called: Myoadenylate deaminase deficiency, myopathy due to; Adenosine monophosphate deaminase 1 deficiency; AMP deaminase 1 deficiency; Adenosine Monophosphate Deaminase 1; ADENOSINE MONOPHOSPHATE DEAMINASE-1 DEFICIENCY, MYOPATHY DUE TO; AMPD1 DEFICIENCY. Identifiers: Orphanet 45, MedGen C3714933, MONDO:0014220, OMIM 615511.

Submission:

Labcorp Genetics (formerly Invitae), Labcorp
Classification: Uncertain significance for Muscle AMP deaminase deficiency. Last evaluated: 2023-05-16. Review status: criteria provided, single submitter. Criteria: Invitae Variant Classification Sherloc (09022015). Collection method: clinical testing. Allele origin: germline.
Comment: In summary, the available evidence is currently insufficient to determine the role of this variant in disease. Therefore, it has been classified as a Variant of Uncertain Significance. An algorithm developed to predict the effect of missense changes on protein structure and function (PolyPhen-2) suggests that this variant is likely to be disruptive. This variant has not been reported in the literature in individuals affected with AMPD1-related conditions. This variant is not present in population databases (gnomAD no frequency). This sequence change replaces tyrosine, which is neutral and polar, with cysteine, which is neutral and slightly polar, at codon 662 of the AMPD1 protein (p.Tyr662Cys).